The following is an entry in ClinVar:

ClinVar aggregate classification (germline): Uncertain significance. Review status: criteria provided, multiple submitters, no conflicts (2 of 4 stars). 2 submissions from 2 submitters: Uncertain significance (2). Last evaluated 2025-05-14.

Conditions:
Hereditary cancer-predisposing syndrome. Also called: Hereditary neoplastic syndrome; Neoplastic Syndromes, Hereditary; Hereditary Cancer Syndrome; Tumor predisposition. Identifiers: Orphanet 140162, MedGen C0027672, MeSH D009386, MONDO:0015356.
EGFR-related lung cancer (EGFR). Identifiers: MedGen CN130014.

Submissions (2):

Labcorp Genetics (formerly Invitae), Labcorp
Classification: Uncertain significance for EGFR-related lung cancer. Last evaluated: 2025-05-14. Review status: criteria provided, single submitter. Criteria: Invitae Variant Classification Sherloc (09022015). Collection method: clinical testing. Allele origin: germline.
Comment: This sequence change replaces proline, which is neutral and non-polar, with leucine, which is neutral and non-polar, at codon 959 of the EGFR protein (p.Pro959Leu). This variant is not present in population databases (gnomAD no frequency). This variant has not been reported in the literature in individuals affected with EGFR-related conditions. ClinVar contains an entry for this variant (Variation ID: 2766773). Invitae Evidence Modeling of protein sequence and biophysical properties (such as structural, functional, and spatial information, amino acid conservation, physicochemical variation, residue mobility, and thermodynamic stability) indicates that this missense variant is expected to disrupt EGFR protein function with a positive predictive value of 80%. In summary, the available evidence is currently insufficient to determine the role of this variant in disease. Therefore, it has been classified as a Variant of Uncertain Significance.

Ambry Genetics
Classification: Uncertain significance for Hereditary cancer-predisposing syndrome. Last evaluated: 2025-03-08. Review status: criteria provided, single submitter. Criteria: Ambry Variant Classification Scheme 2023. Collection method: clinical testing. Allele origin: germline.
Comment: The p.P959L variant (also known as c.2876C>T), located in coding exon 24 of the EGFR gene, results from a C to T substitution at nucleotide position 2876. The proline at codon 959 is replaced by leucine, an amino acid with similar properties. This amino acid position is conserved. In addition, this alteration is predicted to be deleterious by in silico analysis. Based on the available evidence, the clinical significance of this variant remains unclear.

NM_005228.5(EGFR):c.2876C>T (p.Pro959Leu)

Gene: EGFR (epidermal growth factor receptor; plus strand). Cytogenetic location: 7p11.2.
Variant type: single nucleotide variant.
Coding change: c.2876C>T on transcript NM_005228.5 (MANE Select); coding-DNA position 2876, C replaced by T.
Protein change: p.Pro959Leu; replaces proline 959 with leucine.
Molecular consequence: missense variant.
Genome position (GRCh38, 1-based): chr7:55,200,343, C>T. VCF-style: chr7-55200343-C-T. GRCh37 (hg19) VCF-style: chr7-55268036-C-T.
Other names: c.2741C>T, p.Pro914Leu (NM_001346897.2, NM_001346899.2); c.2876C>T, p.Pro959Leu (NM_001346898.2); c.2717C>T, p.Pro906Leu (NM_001346900.2); c.2075C>T, p.Pro692Leu (NM_001346941.2); short protein forms P692L, P914L, P906L, P959L.
Identifiers: ClinVar variation 2766773 (VCV002766773.4), dbSNP rs2534855998, ClinGen allele CA367581785.